The following is an entry in ClinVar:

ClinVar aggregate classification (germline): Uncertain significance (1 of 4 stars; one submission).

Conditions:
Fanconi anemia (FA). Also called: Fanconi's anemia. Identifiers: Orphanet 84, MedGen C0015625, MeSH D005199, MONDO:0019391.

Allele frequency attached by ClinVar (database versions not stated): gnomAD exomes below 0.00001.
gnomAD v4.1: 1 of 1,614,118 alleles (0.000062%); highest among the groups gnomAD compares: Non-Finnish European, 0.000085%; no homozygotes.

Submission:

Labcorp Genetics (formerly Invitae), Labcorp
Classification: Uncertain significance for Fanconi anemia. Last evaluated: 2024-04-25. Review status: criteria provided, single submitter. Criteria: Invitae Variant Classification Sherloc (09022015). Collection method: clinical testing. Allele origin: germline.
Comment: This sequence change replaces leucine, which is neutral and non-polar, with histidine, which is basic and polar, at codon 441 of the SLX4 protein (p.Leu441His). This variant is not present in population databases (gnomAD no frequency). This variant has not been reported in the literature in individuals affected with SLX4-related conditions. ClinVar contains an entry for this variant (Variation ID: 1037291). An algorithm developed to predict the effect of missense changes on protein structure and function (PolyPhen-2) suggests that this variant is likely to be disruptive. In summary, the available evidence is currently insufficient to determine the role of this variant in disease. Therefore, it has been classified as a Variant of Uncertain Significance.

NM_032444.4(SLX4):c.1322T>A (p.Leu441His)

Gene: SLX4 (SLX4 structure-specific endonuclease subunit; minus strand). Cytogenetic location: 16p13.3.
Variant type: single nucleotide variant.
Coding change: c.1322T>A on transcript NM_032444.4 (MANE Select); coding-DNA position 1322, T replaced by A.
Protein change: p.Leu441His; replaces leucine 441 with histidine.
Molecular consequence: missense variant.
Genome position (GRCh38, 1-based): chr16:3,597,841, A>T on the plus strand (T>A on the coding strand, the complement: SLX4 is on the minus strand). VCF-style: chr16-3597841-A-T. GRCh37 (hg19) VCF-style: chr16-3647842-A-T.
Other names: short protein forms L441H.
Identifiers: ClinVar variation 1037291 (VCV001037291.8), dbSNP rs2040681820, ClinGen allele CA394529369.
Genomic context (GRCh38, chr16:3,597,841, plus strand): 5'-TTCTGATCACACAAACCTGCTTCTGGTCTTATCCTCTCAGAAAAGGCACTTTCCAGCCTG[A>T]GCGCTGGTACAGCCGCACCCGGCTCCATCTCCGACCGGGACAGAGCCATGGCCACCAGCA-3'
Protein context (NP_115820.2, residues 431-451): EMEPGAAVPA[Leu441His]RLESAFSERI